The following is an entry in ClinVar:

NM_001353108.3(CEP63):c.1473del (p.Glu492fs)

Gene: CEP63 (centrosomal protein 63; plus strand). Cytogenetic location: 3q22.2.
Variant type: Deletion.
Coding change: c.1473del on transcript NM_001353108.3 (MANE Select); coding-DNA position 1473, one base deleted (A; older notation c.1473delA).
Protein change: p.Glu492fs; shifts the reading frame from glutamic acid 492.
Molecular consequence: frameshift variant. On other transcripts: intron variant (17).
Genome position (GRCh38, 1-based): chr3:134,558,147, A deleted; the last of 4 consecutive A bases (chr3:134,558,144-134,558,147); deleting any one gives the same sequence. VCF-style (leftmost placement, unchanged base first): chr3-134558143-CA-C. GRCh37 (hg19) VCF-style: chr3-134276985-CA-C.
Other names: c.1335del, p.Glu446fs (NM_001353109.1); c.1473del, p.Glu492fs (NM_025180.5); c.1467+6135del (NM_001353113.1, NM_001353117.2); c.1329+6135del (NM_001042384.2, NM_001353124.2, NM_001353123.2); c.1330-3230del (NM_001353122.1, NM_001042383.2, NM_001353121.2 and 2 more transcripts); c.1468-3230del (NM_001353110.1, NM_001353112.2, NM_001353111.2 and 1 more transcripts); c.1357-3230del (NM_001353118.1); c.967-3230del (NM_001353126.2); and 1 more; short protein forms E446fs, E492fs.
Identifiers: ClinVar variation 2096488 (VCV002096488.4), dbSNP rs1187435534, ClinGen allele CA546891457.

ClinVar aggregate classification (germline): Pathogenic (1 of 4 stars; one submission).

Submission:

Labcorp Genetics (formerly Invitae), Labcorp
Classification: Pathogenic. Last evaluated: 2022-11-08. Review status: criteria provided, single submitter. Criteria: Invitae Variant Classification Sherloc (09022015). Collection method: clinical testing. Allele origin: germline.
Comment: This sequence change creates a premature translational stop signal (p.Glu492Argfs*4) in the CEP63 gene. It is expected to result in an absent or disrupted protein product. Loss-of-function variants in CEP63 are known to be pathogenic (PMID: 21983783, 23936128, 26158450). This variant is present in population databases (no rsID available, gnomAD 0.0009%). This variant has not been reported in the literature in individuals affected with CEP63-related conditions. For these reasons, this variant has been classified as Pathogenic.

Literature cited by the submitters: PubMed 21983783; PubMed 23936128; PubMed 26158450.